The following is an entry in ClinVar:

ClinVar aggregate classification (germline): Pathogenic (1 of 4 stars; one submission).

Submission:

Quest Diagnostics Nichols Institute San Juan Capistrano
Classification: Pathogenic. Last evaluated: 2024-04-04. Review status: criteria provided, single submitter. Criteria: Quest Diagnostics criteria. Collection method: clinical testing. Allele origin: unknown.
Comment: The THRB c.1025A>T (p.Lys342Ile) variant has been reported in the published literature in five members of a family affected with resistance to thyroid hormone (RTH) (PMID: 34727089 (2021)) and in another individual affected with RTH (PMID: 8535442 (1995)). Functional studies of this variant have indicated decreased T3 sensitivity and homodimer formation on DNA was inhibited (PMID: 15886199 (2005)). This variant has not been reported in large, multi-ethnic general populations (Genome Aggregation Database). Based on the available information, this variant is classified as pathogenic.

Literature cited by the submitters: PubMed 30976996; PubMed 8535442; PubMed 8889584; PubMed 33827995; PubMed 36246927; PubMed 15886199; PubMed 34727089.

NM_001354712.2(THRB):c.1025A>T (p.Lys342Ile)

Gene: THRB (thyroid hormone receptor beta; minus strand). Cytogenetic location: 3p24.2.
Variant type: single nucleotide variant.
Coding change: c.1025A>T on transcript NM_001354712.2 (MANE Select); coding-DNA position 1025, A replaced by T.
Protein change: p.Lys342Ile; replaces lysine 342 with isoleucine.
Molecular consequence: missense variant. On other transcripts: intron variant (1).
Genome position (GRCh38, 1-based): chr3:24,127,618, T>A on the plus strand (A>T on the coding strand, the complement: THRB is on the minus strand). VCF-style: chr3-24127618-T-A. GRCh37 (hg19) VCF-style: chr3-24169109-T-A.
Other names: c.1025A>T, p.Lys342Ile (NM_000461.5, NM_001128176.3, NM_001128177.2 and 11 more transcripts); c.932A>T, p.Lys311Ile (NM_001354714.2, NM_001354715.2); c.973+52A>T (NM_001374827.1); short protein forms K342I, K311I.
Identifiers: ClinVar variation 3572083 (VCV003572083.1).